The following is an entry in ClinVar:

NM_001038603.3(MARVELD2):c.1374T>A (p.Tyr458Ter)

Gene: MARVELD2 (MARVEL domain containing 2; plus strand). Cytogenetic location: 5q13.2.
Variant type: single nucleotide variant.
Coding change: c.1374T>A on transcript NM_001038603.3 (MANE Select); coding-DNA position 1374, T replaced by A.
Protein change: p.Tyr458Ter; replaces tyrosine 458 with a stop codon.
Molecular consequence: nonsense.
Genome position (GRCh38, 1-based): chr5:69,432,964, T>A. VCF-style: chr5-69432964-T-A. GRCh37 (hg19) VCF-style: chr5-68728791-T-A.
Other names: c.1338T>A, p.Tyr446Ter (NM_001244734.2); short protein forms Y446*, Y458*.
Identifiers: ClinVar variation 3601229 (VCV003601229.1).

ClinVar aggregate classification (germline): Pathogenic (1 of 4 stars; one submission).

Conditions:
Autosomal recessive nonsyndromic hearing loss 49. Also called: Deafness, neurosensory, autosomal recessive 49. Identifiers: Orphanet 90636, MedGen C1857811, MONDO:0012420, OMIM 610153.

Submission:

Institute of Rare Diseases, West China Hospital, Sichuan University
Classification: Pathogenic for Autosomal recessive nonsyndromic hearing loss 49. Last evaluated: 2025-01-09. Review status: criteria provided, single submitter. Criteria: ClinGen HL ACMG Specifications v1. Collection method: research. Allele origin: germline. Affected: yes.
Comment: PVS1;PM3_Supporting;PM2_Supporting